The following is an entry in ClinVar:

NM_000829.4(GRIA4):c.758T>C (p.Ile253Thr)

Gene: GRIA4 (glutamate ionotropic receptor AMPA type subunit 4; plus strand). Cytogenetic location: 11q22.3.
Variant type: single nucleotide variant.
Coding change: c.758T>C on transcript NM_000829.4 (MANE Select); coding-DNA position 758, T replaced by C.
Protein change: p.Ile253Thr; replaces isoleucine 253 with threonine.
Molecular consequence: missense variant. On other transcripts: non-coding transcript variant (1).
Genome position (GRCh38, 1-based): chr11:105,898,300, T>C. VCF-style: chr11-105898300-T-C. GRCh37 (hg19) VCF-style: chr11-105769026-T-C.
Other names: c.758T>C, p.Ile253Thr (NM_001077243.3, NM_001077244.2, NM_001112812.2); short protein forms I253T.
Identifiers: ClinVar variation 3389685 (VCV003389685.14).
Genomic context (GRCh38, chr11:105,898,300, plus strand): 5'-TTAACAATCTTTTGTATTAATTTTTATAGGGATTCAAGGATATTTCTCTTGAGAGGTTTA[T>C]ACATGGTGGAGCCAATGTTACTGGATTCCAGTTGGTGGATTTTAATACACCTATGGTAAT-3'
Protein context (NP_000820.4, residues 243-263): GFKDISLERF[Ile253Thr]HGGANVTGFQ

ClinVar aggregate classification (germline): Uncertain significance (1 of 4 stars; one submission).

Submission:

CeGaT Center for Human Genetics Tuebingen
Classification: Uncertain significance. Last evaluated: 2024-09-01. Review status: criteria provided, single submitter. Criteria: CeGaT Center For Human Genetics Tuebingen Variant Classification Criteria Version 2. Collection method: clinical testing. Allele origin: germline. Affected: yes. Observed: 1 variant allele.
Comment: GRIA4: PM2